The following is an entry in ClinVar:

NM_000719.7(CACNA1C):c.3912+2dup

Gene: CACNA1C (calcium voltage-gated channel subunit alpha1 C; plus strand). Cytogenetic location: 12p13.33.
Variant type: Duplication.
Coding change: c.3912+2dup on transcript NM_000719.7 (MANE Select); the canonical splice donor site of the intron after coding-DNA position 3912, one base duplicated (T; older notation c.3912+2dupT).
Molecular consequence: splice donor variant. On other transcripts: intron variant (7).
Genome position (GRCh38, 1-based): chr12:2,634,382, T duplicated. VCF-style (leftmost placement, unchanged base first): chr12-2634381-G-GT. GRCh37 (hg19) VCF-style: chr12-2743547-G-GT.
Other names: c.3912+670dup (NM_001167624.3, NM_001167623.2, NM_001129833.2 and 2 more transcripts); c.3912+2dup (NM_001167625.2, NM_001129840.2, NM_001129829.2 and 7 more transcripts); c.4056+2dup (NM_199460.4, NM_001129827.2); c.3972+2dup (NM_001129832.2); c.3996+2dup (NM_001129831.2, NM_001129836.2); c.3906+8dup (NM_001129839.2); c.3903+670dup (NM_001129844.2).
Identifiers: ClinVar variation 4991541 (VCV004991541.1).

ClinVar aggregate classification (germline): Likely pathogenic (1 of 4 stars; one submission).

Conditions:
CACNA1C-related disorder. Also called: CACNA1C-related condition; CACNA1C-related disorders. Identifiers: MedGen CN381092, MONDO:0700321.

Submission:

PreventionGenetics, part of Exact Sciences
Classification: Likely pathogenic for CACNA1C-related condition. Last evaluated: 2026-09-25. Review status: criteria provided, single submitter. Criteria: ACMG Guidelines, 2015. Collection method: clinical testing. Allele origin: germline.
Comment: The CACNA1C c.3912+2dupT variant is predicted to result in an intronic duplication. This variant is predicted to alter splicing based on available splicing prediction programs (SpliceAI, Jaganathan et al. 2019. PubMed ID: 30661751). However, the use of computer prediction programs is not equivalent to functional evidence. To our knowledge, this variant has not been reported in the literature or in a large population database (gnomAD), indicating this variant is rare. This variant is interpreted as likely pathogenic.